The following is an entry in ClinVar:

ClinVar aggregate classification (germline): Uncertain significance. Review status: criteria provided, multiple submitters, no conflicts (2 of 4 stars). 2 submissions from 2 submitters: Uncertain significance (2). Last evaluated 2025-03-13.

Conditions:
Oligodontia-cancer predisposition syndrome. Also called: TOOTH AGENESIS-COLORECTAL CANCER SYNDROME. Identifiers: Orphanet 300576, MedGen C1837750, MONDO:0012075, OMIM 608615. Disease mechanism: loss of function.
Hereditary cancer-predisposing syndrome. Also called: Neoplastic Syndromes, Hereditary; Hereditary neoplastic syndrome; Tumor predisposition; Hereditary Cancer Syndrome. Identifiers: Orphanet 140162, MedGen C0027672, MeSH D009386, MONDO:0015356.

Allele frequency attached by ClinVar (database versions not stated): TOPMed below 0.00001.

Submissions (2):

Ambry Genetics
Classification: Uncertain significance for Hereditary cancer-predisposing syndrome. Last evaluated: 2025-03-13. Review status: criteria provided, single submitter. Criteria: Ambry Variant Classification Scheme 2023. Collection method: clinical testing. Allele origin: germline.
Comment: The p.Q89K variant (also known as c.265C>A), located in coding exon 1 of the AXIN2 gene, results from a C to A substitution at nucleotide position 265. The glutamine at codon 89 is replaced by lysine, an amino acid with similar properties. This amino acid position is highly conserved in available vertebrate species. In addition, this alteration is predicted to be tolerated by in silico analysis. Based on the available evidence, the clinical significance of this variant remains unclear.

Labcorp Genetics (formerly Invitae), Labcorp
Classification: Uncertain significance for Oligodontia-cancer predisposition syndrome. Last evaluated: 2024-04-29. Review status: criteria provided, single submitter. Criteria: Invitae Variant Classification Sherloc (09022015). Collection method: clinical testing. Allele origin: germline.
Comment: This sequence change replaces glutamine, which is neutral and polar, with lysine, which is basic and polar, at codon 89 of the AXIN2 protein (p.Gln89Lys). This variant is not present in population databases (gnomAD no frequency). This missense change has been observed in individual(s) with AXIN2-related conditions (PMID: 34637023). Advanced modeling of protein sequence and biophysical properties (such as structural, functional, and spatial information, amino acid conservation, physicochemical variation, residue mobility, and thermodynamic stability) performed at Invitae indicates that this missense variant is not expected to disrupt AXIN2 protein function with a negative predictive value of 80%. In summary, the available evidence is currently insufficient to determine the role of this variant in disease. Therefore, it has been classified as a Variant of Uncertain Significance.

Literature cited by the submitters: PubMed 34637023 (cited by Labcorp Genetics (formerly Invitae), Labcorp).

NM_004655.4(AXIN2):c.265C>A (p.Gln89Lys)

Gene: AXIN2 (axin 2; minus strand). Cytogenetic location: 17q24.1.
Variant type: single nucleotide variant.
Coding change: c.265C>A on transcript NM_004655.4 (MANE Select); coding-DNA position 265, C replaced by A.
Protein change: p.Gln89Lys; replaces glutamine 89 with lysine.
Molecular consequence: missense variant.
Genome position (GRCh38, 1-based): chr17:65,558,356, G>T on the plus strand (C>A on the coding strand, the complement: AXIN2 is on the minus strand). VCF-style: chr17-65558356-G-T. GRCh37 (hg19) VCF-style: chr17-63554474-G-T.
Other names: c.265C>A, p.Gln89Lys (NM_001363813.1); short protein forms Q89K.
Identifiers: ClinVar variation 2895579 (VCV002895579.4), dbSNP rs1250947526, ClinGen allele CA400681782.